The following is an entry in ClinVar:

NM_004239.4(TRIP11):c.2189A>G (p.Lys730Arg)

Gene: TRIP11 (thyroid hormone receptor interactor 11; minus strand). Cytogenetic location: 14q32.12.
Variant type: single nucleotide variant.
Coding change: c.2189A>G on transcript NM_004239.4 (MANE Select); coding-DNA position 2189, A replaced by G.
Protein change: p.Lys730Arg; replaces lysine 730 with arginine.
Molecular consequence: missense variant.
Genome position (GRCh38, 1-based): chr14:92,005,787, T>C on the plus strand (A>G on the coding strand, the complement: TRIP11 is on the minus strand). VCF-style: chr14-92005787-T-C. GRCh37 (hg19) VCF-style: chr14-92472131-T-C.
Other names: c.2186A>G, p.Lys729Arg (NM_001321851.1); short protein forms K729R, K730R.
Identifiers: ClinVar variation 1449806 (VCV001449806.6), dbSNP rs2056893267, ClinGen allele CA390658325.
Genomic context (GRCh38, chr14:92,005,787, plus strand): 5'-CGTGCATTTGACAGTTCTTCAATGGTTTTCTCATACTTGTTTGCTTCTTCCAACAGCCTC[T>C]TTTTAGCCCAACACAATTCTGCCTCTATCTCTCCTTTTTCCATTTTTAGAGTCTCCACAA-3'
Protein context (NP_004230.2, residues 720-740): EIEAELCWAK[Lys730Arg]RLLEEANKYE

ClinVar aggregate classification (germline): Uncertain significance. Review status: criteria provided, single submitter (1 of 4 stars). 2 submissions from 2 submitters: Uncertain significance (1). 1 of the submissions does not count toward it. Last evaluated 2022-02-10.

Conditions:
TRIP11-related disorder. Also called: TRIP11-Related Disorders; TRIP11-related condition.
Achondrogenesis, type IA (ACG1A). Identifiers: Orphanet 932, Orphanet 93299, MedGen C0265273, MONDO:0008701, OMIM 200600.

Allele frequency attached by ClinVar (database versions not stated): gnomAD exomes below 0.00001.
gnomAD v4.1: 2 of 1,614,086 alleles (0.00012%); highest among the groups gnomAD compares: Admixed American, 0.0017%; no homozygotes.

Submissions (2):

Labcorp Genetics (formerly Invitae), Labcorp
Classification: Uncertain significance for Achondrogenesis, type IA. Last evaluated: 2022-02-10. Review status: criteria provided, single submitter. Criteria: Invitae Variant Classification Sherloc (09022015). Collection method: clinical testing. Allele origin: germline.
Comment: This sequence change replaces lysine, which is basic and polar, with arginine, which is basic and polar, at codon 730 of the TRIP11 protein (p.Lys730Arg). This variant is not present in population databases (gnomAD no frequency). This variant has not been reported in the literature in individuals affected with TRIP11-related conditions. Algorithms developed to predict the effect of missense changes on protein structure and function output the following: SIFT: "Not Available"; PolyPhen-2: "Benign"; Align-GVGD: "Not Available". The arginine amino acid residue is found in multiple mammalian species, which suggests that this missense change does not adversely affect protein function. In summary, the available evidence is currently insufficient to determine the role of this variant in disease. Therefore, it has been classified as a Variant of Uncertain Significance.

PreventionGenetics, part of Exact Sciences
Classification: Uncertain significance for TRIP11-related condition. Last evaluated: 2024-05-20. Review status: no assertion criteria provided. Collection method: clinical testing. Allele origin: germline. Not counted in ClinVar's aggregate classification.
Comment: The TRIP11 c.2189A>G variant is predicted to result in the amino acid substitution p.Lys730Arg. To our knowledge, this variant has not been reported in the literature or in a large population database, indicating this variant is rare. At this time, the clinical significance of this variant is uncertain due to the absence of conclusive functional and genetic evidence.